The following is an entry in ClinVar:

NM_002693.3(POLG):c.2510A>G (p.Tyr837Cys)

Gene: POLG (DNA polymerase gamma, catalytic subunit; minus strand). Cytogenetic location: 15q26.1.
Variant type: single nucleotide variant.
Coding change: c.2510A>G on transcript NM_002693.3 (MANE Select); coding-DNA position 2510, A replaced by G.
Protein change: p.Tyr837Cys; replaces tyrosine 837 with cysteine.
Molecular consequence: missense variant.
Genome position (GRCh38, 1-based): chr15:89,321,824, T>C on the plus strand (A>G on the coding strand, the complement: POLG is on the minus strand). VCF-style: chr15-89321824-T-C. GRCh37 (hg19) VCF-style: chr15-89865055-T-C.
Other names: c.2510A>G, p.Tyr837Cys (NM_001126131.2); short protein forms Y837C.
Identifiers: ClinVar variation 218615 (VCV000218615.8), dbSNP rs778190998, ClinGen allele CA248972.

ClinVar aggregate classification (germline): Uncertain significance. Review status: criteria provided, multiple submitters, no conflicts (2 of 4 stars). 4 submissions from 4 submitters: Uncertain significance (4). Last evaluated 2025-12-26.

Conditions:
Progressive external ophthalmoplegia with mitochondrial DNA deletions, autosomal dominant 1 (PEOA1). Also called: PROGRESSIVE EXTERNAL OPHTHALMOPLEGIA, AUTOSOMAL DOMINANT 1; Autosomal Dominant Progressive External Ophthalmoplegia (adPEO). Identifiers: MedGen C1834846, MONDO:0024528, OMIM 157640.
Progressive external ophthalmoplegia with mitochondrial DNA deletions, autosomal recessive 1 (PEOB1). Also called: Autosomal Recessive Progressive External Ophthalmoplegia (arPEO); Progressive external ophthalmoplegia, autosomal recessive 1. Identifiers: Orphanet 254886, MedGen C4225153, MONDO:0009783, OMIM 258450.
Progressive sclerosing poliodystrophy (MTDPS4A). Also called: ALPERS DIFFUSE DEGENERATION OF CEREBRAL GRAY MATTER WITH HEPATIC CIRRHOSIS; Alpers-Huttenlocher Syndrome; ALPERS PROGRESSIVE INFANTILE POLIODYSTROPHY; NEURONAL DEGENERATION OF CHILDHOOD WITH LIVER DISEASE, PROGRESSIVE; Mitochondrial DNA Depletion Syndrome 4A; Alpers-Huttenlocher Syndrome (AHS). Identifiers: Orphanet 726, MedGen C0205710, MONDO:0008758, OMIM 203700.
Mitochondrial DNA depletion syndrome 1. Also called: Mitochondrial Neurogastrointestinal Encephalopathy Disease; MITOCHONDRIAL NEUROGASTROINTESTINAL ENCEPHALOPATHY SYNDROME, TYMP-RELATED; MNGIE, TYMP-RELATED; POLIP SYNDROME; POLYNEUROPATHY, OPHTHALMOPLEGIA, LEUKOENCEPHALOPATHY, AND INTESTINAL PSEUDOOBSTRUCTION; Mitochondrial DNA Depletion Syndrome, MNGIE Form. Identifiers: Orphanet 298, MedGen C4551995, MONDO:0011283, OMIM 603041.
Sensory ataxic neuropathy, dysarthria, and ophthalmoparesis (SANDO). Also called: SENSORY ATAXIC NEUROPATHY WITH MITOCHONDRIAL DNA DELETIONS, AUTOSOMAL RECESSIVE; Epilepsy, progressive myoclonic, type 5; Sensory ataxic neuropathy-dysarthria-ophthalmoparesis syndrome; Ataxia Neuropathy Spectrum (ANS). Identifiers: Orphanet 70595, MedGen C1843851, MONDO:0011835, OMIM 607459.
Mitochondrial DNA depletion syndrome 4b. Also called: MNGIE, POLG-RELATED; Mitochondrial Neurogastrointestinal Encephalopathy Disease, POLG-Related. Identifiers: Orphanet 298, MedGen C3150914, MONDO:0013350, OMIM 613662.

Allele frequency attached by ClinVar (database versions not stated): gnomAD 0.00001; ExAC 0.00003; TOPMed 0.00003.
gnomAD v4.1: 35 of 1,613,692 alleles (0.0022%); highest among the groups gnomAD compares: South Asian, 0.0066%; 1 homozygote.

Submissions (4):

Labcorp Genetics (formerly Invitae), Labcorp
Classification: Uncertain significance for Progressive sclerosing poliodystrophy. Last evaluated: 2025-12-26. Review status: criteria provided, single submitter. Criteria: Invitae Variant Classification Sherloc (09022015). Collection method: clinical testing. Allele origin: germline.
Comment: This sequence change replaces tyrosine, which is neutral and polar, with cysteine, which is neutral and slightly polar, at codon 837 of the POLG protein (p.Tyr837Cys). This variant is present in population databases (rs778190998, gnomAD 0.006%). This missense change has been observed in individual(s) with ataxia, dysarthria, seizures, and sensory neuropathies (PMID: 25488682). ClinVar contains an entry for this variant (Variation ID: 218615). Invitae Evidence Modeling of protein sequence and biophysical properties (such as structural, functional, and spatial information, amino acid conservation, physicochemical variation, residue mobility, and thermodynamic stability) indicates that this missense variant is expected to disrupt POLG protein function with a positive predictive value of 80%. In summary, the available evidence is currently insufficient to determine the role of this variant in disease. Therefore, it has been classified as a Variant of Uncertain Significance.

GeneDx
Classification: Uncertain significance. Last evaluated: 2024-07-10. Review status: criteria provided, single submitter. Criteria: GeneDx Variant Classification Process June 2021. Collection method: clinical testing. Allele origin: germline. Affected: yes.
Comment: Seen with other variants in the POLG gene in a family with mitochondrial ataxia; however, it is not known whether these variants occurred on the same (in cis) or on opposite (in trans) chromosomes (PMID: 25488682); Not observed at significant frequency in large population cohorts (gnomAD); In silico analysis supports that this missense variant has a deleterious effect on protein structure/function; This variant is associated with the following publications: (PMID: 28130605, 25488682)

Fulgent Genetics
Classification: Uncertain significance for Progressive external ophthalmoplegia with mitochondrial DNA deletions, autosomal dominant 1; Progressive sclerosing poliodystrophy; Progressive external ophthalmoplegia with mitochondrial DNA deletions, autosomal recessive 1; Mitochondrial DNA depletion syndrome 1; Sensory ataxic neuropathy, dysarthria, and ophthalmoparesis; Mitochondrial DNA depletion syndrome 4b. Last evaluated: 2022-04-12. Review status: criteria provided, single submitter. Criteria: ACMG Guidelines, 2015. Collection method: clinical testing. Allele origin: unknown.

Genomic Diagnostic Laboratory, Division of Genomic Diagnostics, Children's Hospital of Philadelphia
Classification: Uncertain significance. Last evaluated: 2015-06-16. Review status: criteria provided, single submitter. Criteria: DGD Variant Analysis Guidelines. Collection method: clinical testing. Allele origin: unknown.

Literature cited by the submitters: PubMed 25488682 (cited by Labcorp Genetics (formerly Invitae), Labcorp).